The following is an entry in ClinVar:

NM_003661.4(APOL1):c.667A>G (p.Ile223Val)

Gene: APOL1 (apolipoprotein L1; plus strand). Cytogenetic location: 22q12.3.
Variant type: single nucleotide variant.
Coding change: c.667A>G on transcript NM_003661.4 (MANE Select); coding-DNA position 667, A replaced by G.
Protein change: p.Ile223Val; replaces isoleucine 223 with valine.
Molecular consequence: missense variant.
Genome position (GRCh38, 1-based): chr22:36,265,503, A>G. VCF-style: chr22-36265503-A-G. GRCh37 (hg19) VCF-style: chr22-36661549-A-G.
Other names: c.667A>G, p.Ile223Val (NM_001136540.2); c.613A>G, p.Ile205Val (NM_001136541.2, NM_001362927.2); c.715A>G, p.Ile239Val (NM_145343.3); short protein forms I223V, I239V, I205V.
Identifiers: ClinVar variation 2093892 (VCV002093892.4), dbSNP rs2517927735, ClinGen allele CA411366950.

ClinVar aggregate classification (germline): Uncertain significance (1 of 4 stars; one submission).

Submission:

Labcorp Genetics (formerly Invitae), Labcorp
Classification: Uncertain significance. Last evaluated: 2022-02-06. Review status: criteria provided, single submitter. Criteria: Invitae Variant Classification Sherloc (09022015). Collection method: clinical testing. Allele origin: germline.
Comment: In summary, the available evidence is currently insufficient to determine the role of this variant in disease. Therefore, it has been classified as a Variant of Uncertain Significance. Algorithms developed to predict the effect of missense changes on protein structure and function output the following: SIFT: "Tolerated"; PolyPhen-2: "Possibly Damaging"; Align-GVGD: "Class C0". The valine amino acid residue is found in multiple mammalian species, which suggests that this missense change does not adversely affect protein function. This variant has not been reported in the literature in individuals affected with APOL1-related conditions. This variant is not present in population databases (gnomAD no frequency). This sequence change replaces isoleucine, which is neutral and non-polar, with valine, which is neutral and non-polar, at codon 223 of the APOL1 protein (p.Ile223Val).